The following is an entry in ClinVar:

NM_000302.4(PLOD1):c.1772G>A (p.Gly591Asp)

Gene: PLOD1 (procollagen-lysine,2-oxoglutarate 5-dioxygenase 1; plus strand). Cytogenetic location: 1p36.22.
Variant type: single nucleotide variant.
Coding change: c.1772G>A on transcript NM_000302.4 (MANE Select); coding-DNA position 1772, G replaced by A.
Protein change: p.Gly591Asp; replaces glycine 591 with aspartic acid.
Molecular consequence: missense variant.
Genome position (GRCh38, 1-based): chr1:11,970,686, G>A. VCF-style: chr1-11970686-G-A. GRCh37 (hg19) VCF-style: chr1-12030743-G-A.
Other names: c.1913G>A, p.Gly638Asp (NM_001316320.2); short protein forms G591D, G638D.
Identifiers: ClinVar variation 1053932 (VCV001053932.17), dbSNP rs748646169, ClinGen allele CA598559.

ClinVar aggregate classification (germline): Uncertain significance. Review status: criteria provided, multiple submitters, no conflicts (2 of 4 stars). 4 submissions from 4 submitters: Uncertain significance (4). Last evaluated 2024-01-15.

Conditions:
Familial thoracic aortic aneurysm and aortic dissection (TAAD). Also called: Thoracic aortic aneurysms and dissections. Identifiers: Orphanet 91387, MedGen C4707243, MONDO:0019625.
Ehlers-Danlos syndrome, kyphoscoliotic type 1 (EDSKSCL1). Also called: EHLERS-DANLOS SYNDROME, TYPE VIA; EHLERS-DANLOS SYNDROME, OCULAR-SCOLIOTIC TYPE; Ehlers-Danlos syndrome, hydroxylysine-deficient; PLOD1-Related Kyphoscoliotic Ehlers-Danlos Syndrome. Identifiers: Orphanet 1900, MedGen C0268342, MONDO:0016002, OMIM 225400. Disease mechanism: loss of function.

Allele frequency attached by ClinVar (database versions not stated): TOPMed below 0.00001; gnomAD exomes 0.00001 and 0.00003; ExAC 0.00002.
gnomAD v4.1: 16 of 1,613,148 alleles (0.00099%); highest among the groups gnomAD compares: Admixed American, 0.005%; no homozygotes.

Submissions (4):

Women's Health and Genetics/Laboratory Corporation of America, LabCorp
Classification: Uncertain significance. Last evaluated: 2024-01-15. Review status: criteria provided, single submitter. Criteria: LabCorp Variant Classification Summary - May 2015. Collection method: clinical testing. Allele origin: germline.

Ambry Genetics
Classification: Uncertain significance for Familial thoracic aortic aneurysm and aortic dissection. Last evaluated: 2023-07-01. Review status: criteria provided, single submitter. Criteria: Ambry Variant Classification Scheme 2023. Collection method: clinical testing. Allele origin: germline.
Comment: The p.G591D variant (also known as c.1772G>A), located in coding exon 17 of the PLOD1 gene, results from a G to A substitution at nucleotide position 1772. The glycine at codon 591 is replaced by aspartic acid, an amino acid with similar properties. This amino acid position is conserved. In addition, this alteration is predicted to be deleterious by in silico analysis. Since supporting evidence is limited at this time, the clinical significance of this alteration remains unclear.

Labcorp Genetics (formerly Invitae), Labcorp
Classification: Uncertain significance for Ehlers-Danlos syndrome, kyphoscoliotic type 1. Last evaluated: 2022-07-12. Review status: criteria provided, single submitter. Criteria: Invitae Variant Classification Sherloc (09022015). Collection method: clinical testing. Allele origin: germline.
Comment: This sequence change replaces glycine, which is neutral and non-polar, with aspartic acid, which is acidic and polar, at codon 591 of the PLOD1 protein (p.Gly591Asp). The frequency data for this variant in the population databases is considered unreliable, as metrics indicate poor data quality at this position in the gnomAD database. This variant has not been reported in the literature in individuals affected with PLOD1-related conditions. ClinVar contains an entry for this variant (Variation ID: 1053932). Algorithms developed to predict the effect of missense changes on protein structure and function are either unavailable or do not agree on the potential impact of this missense change (SIFT: "Deleterious"; PolyPhen-2: "Probably Damaging"; Align-GVGD: "Class C0"). In summary, the available evidence is currently insufficient to determine the role of this variant in disease. Therefore, it has been classified as a Variant of Uncertain Significance.

Mayo Clinic Laboratories, Mayo Clinic
Classification: Uncertain significance. Last evaluated: 2019-11-04. Review status: criteria provided, single submitter. Criteria: ACMG Guidelines, 2015. Collection method: clinical testing. Allele origin: germline. Observed: 1 variant allele.